The following is an entry in ClinVar:

NM_001367949.2(FAT3):c.12018G>A (p.Ala4006=)

Gene: FAT3 (FAT atypical cadherin 3; plus strand). Cytogenetic location: 11q14.3.
Variant type: single nucleotide variant.
Coding change: c.12018G>A on transcript NM_001367949.2 (MANE Select); coding-DNA position 12018, G replaced by A.
Protein change: p.Ala4006=; no amino-acid change (alanine 4006 retained).
Molecular consequence: synonymous variant.
Genome position (GRCh38, 1-based): chr11:92,867,100, G>A. VCF-style: chr11-92867100-G-A. GRCh37 (hg19) VCF-style: chr11-92600266-G-A.
Other names: c.12018G>A, p.Ala4006= (NM_001008781.3).
Identifiers: ClinVar variation 3060987 (VCV003060987.2), dbSNP rs75649640, ClinGen allele CA6228458.

ClinVar aggregate classification (germline): Benign (0 of 4 stars; one submission).

Conditions:
FAT3-related disorder. Also called: FAT3-related condition.

Allele frequency attached by ClinVar (database versions not stated): TOPMed 0.06383; ESP Exome Variant Server 0.06495; 1000 Genomes Project 0.06569; 1000 Genomes Project 30x 0.06668; ExAC 0.12370.
gnomAD v4.1: 118,077 of 1,599,916 alleles (7.4%); highest among the groups gnomAD compares: South Asian, 15%; 5,077 homozygotes.

Submission:

PreventionGenetics, part of Exact Sciences
Classification: Benign for FAT3-related condition. Last evaluated: 2019-10-21. Review status: no assertion criteria provided. Collection method: clinical testing. Allele origin: germline.
Comment: This variant is classified as benign based on ACMG/AMP sequence variant interpretation guidelines (Richards et al. 2015 PMID: 25741868, with internal and published modifications).